The following is an entry in ClinVar:

NM_015213.4(DENND5A):c.2217T>C (p.Ser739=)

Gene: DENND5A (DENN domain containing 5A; minus strand). Cytogenetic location: 11p15.4.
Variant type: single nucleotide variant.
Coding change: c.2217T>C on transcript NM_015213.4 (MANE Select); coding-DNA position 2217, T replaced by C.
Protein change: p.Ser739=; no amino-acid change (serine 739 retained).
Molecular consequence: synonymous variant. On other transcripts: non-coding transcript variant (1).
Genome position (GRCh38, 1-based): chr11:9,165,902, A>G on the plus strand (T>C on the coding strand, the complement: DENND5A is on the minus strand). VCF-style: chr11-9165902-A-G. GRCh37 (hg19) VCF-style: chr11-9187449-A-G.
Other names: c.1929T>C, p.Ser643= (NM_001348750.2); c.2217T>C, p.Ser739= (NM_001243254.2, NM_001348748.1); c.2145T>C, p.Ser715= (NM_001348749.2).
Identifiers: ClinVar variation 2641591 (VCV002641591.24), dbSNP rs905258520, ClinGen allele CA217549653.

ClinVar aggregate classification (germline): Likely benign (1 of 4 stars; one submission).

Allele frequency attached by ClinVar (database versions not stated): gnomAD exomes below 0.00001.
gnomAD v4.1: 1 of 1,614,086 alleles (0.000062%); highest among the groups gnomAD compares: Non-Finnish European, 0.000085%; no homozygotes.

Submission:

CeGaT Center for Human Genetics Tuebingen
Classification: Likely benign. Last evaluated: 2022-11-01. Review status: criteria provided, single submitter. Criteria: CeGaT Center For Human Genetics Tuebingen Variant Classification Criteria Version 2. Collection method: clinical testing. Allele origin: germline. Affected: yes. Observed: 1 variant allele.
Comment: DENND5A: PM2:Supporting, BP4, BP7